The following is an entry in ClinVar:

NM_000535.7(PMS2):c.1356T>C (p.Gly452=)

Gene: PMS2 (PMS1 homolog 2, mismatch repair system component; minus strand). Cytogenetic location: 7p22.1.
Variant type: single nucleotide variant.
Coding change: c.1356T>C on transcript NM_000535.7 (MANE Select); coding-DNA position 1356, T replaced by C.
Protein change: p.Gly452=; no amino-acid change (glycine 452 retained).
Molecular consequence: synonymous variant. On other transcripts: non-coding transcript variant (1).
Genome position (GRCh38, 1-based): chr7:5,987,409, A>G on the plus strand (T>C on the coding strand, the complement: PMS2 is on the minus strand). VCF-style: chr7-5987409-A-G. GRCh37 (hg19) VCF-style: chr7-6027040-A-G.
Other names: c.951T>C, p.Gly317= (NM_001322003.2, NM_001322004.2, NM_001322005.2 and 1 more transcripts); c.1200T>C, p.Gly400= (NM_001322006.2); c.1038T>C, p.Gly346= (NM_001322007.2, NM_001322008.2); c.795T>C, p.Gly265= (NM_001322010.2); c.423T>C, p.Gly141= (NM_001322011.2, NM_001322012.2); c.783T>C, p.Gly261= (NM_001322013.2); c.1356T>C, p.Gly452= (NM_001322014.2); c.1047T>C, p.Gly349= (NM_001322015.2).
Identifiers: ClinVar variation 186430 (VCV000186430.17), dbSNP rs786202946, ClinGen allele CA009537.

ClinVar aggregate classification (germline): Benign/Likely benign. Review status: criteria provided, multiple submitters, no conflicts (2 of 4 stars). 4 submissions from 4 submitters: Benign (1); Likely benign (3). Last evaluated 2025-10-27.

Conditions:
Hereditary nonpolyposis colorectal neoplasms. Identifiers: MedGen C0009405, MeSH D003123.
Hereditary cancer-predisposing syndrome. Also called: Neoplastic Syndromes, Hereditary; Tumor predisposition; Hereditary Cancer Syndrome; Hereditary neoplastic syndrome. Identifiers: Orphanet 140162, MedGen C0027672, MeSH D009386, MONDO:0015356.
Lynch syndrome 4 (LYNCH4). Also called: Colorectal cancer, hereditary nonpolyposis, type 4; Hereditary non-polyposis colorectal cancer, type 4. Identifiers: Orphanet 144, MedGen C1838333, MONDO:0013699, OMIM 614337. Disease mechanism: loss of function.

Allele frequency attached by ClinVar (database versions not stated): gnomAD 0.00001; TOPMed 0.00001.
gnomAD v4.1: 2 of 1,613,720 alleles (0.00012%); highest among the groups gnomAD compares: African/African-American, 0.0027%; no homozygotes.

Submissions (4):

Labcorp Genetics (formerly Invitae), Labcorp
Classification: Likely benign for Hereditary nonpolyposis colorectal neoplasms. Last evaluated: 2025-10-27. Review status: criteria provided, single submitter. Criteria: Invitae Variant Classification Sherloc (09022015). Collection method: clinical testing. Allele origin: germline.

Myriad Genetics, Inc.
Classification: Benign for Lynch syndrome 4. Last evaluated: 2025-01-30. Review status: criteria provided, single submitter. Criteria: Myriad Autosomal Dominant, Autosomal Recessive and X-Linked Classification Criteria (2023). Collection method: clinical testing. Allele origin: unknown.
Comment: This variant is considered benign. This variant is a silent/synonymous amino acid change and it is not expected to impact splicing.

Color Diagnostics, LLC DBA Color Health
Classification: Likely benign for Hereditary cancer-predisposing syndrome. Last evaluated: 2018-02-07. Review status: criteria provided, single submitter. Criteria: ACMG Guidelines, 2015. Collection method: clinical testing. Allele origin: germline.

Ambry Genetics
Classification: Likely benign for Hereditary cancer-predisposing syndrome. Last evaluated: 2014-09-10. Review status: criteria provided, single submitter. Criteria: Ambry Variant Classification Scheme 2023. Collection method: clinical testing. Allele origin: germline.